The following is an entry in ClinVar:

ClinVar aggregate classification (germline): Pathogenic/Likely pathogenic. Review status: criteria provided, multiple submitters, no conflicts (2 of 4 stars). 5 submissions from 5 submitters: Pathogenic (2); Likely pathogenic (2). 1 of the submissions does not count toward it. Last evaluated 2025-10-14.

Conditions:
ALG6-congenital disorder of glycosylation 1C (CDG1C). Also called: Congenital disorder of glycosylation, type Ic; CARBOHYDRATE-DEFICIENT GLYCOPROTEIN SYNDROME, TYPE I, WITH DEFICIENT GLYCOSYLATION OF DOLICHOL-LINKED OLIGOSACCHARIDE; CARBOHYDRATE-DEFICIENT GLYCOPROTEIN SYNDROME, TYPE V; Congenital disorder of glycosylation type 1C; CDG Ic. Identifiers: Orphanet 79320, MedGen C2930997, MONDO:0011291, OMIM 603147.

Allele frequency attached by ClinVar (database versions not stated): ExAC 0.00002; gnomAD exomes 0.00002.

Submissions (5):

Natera, Inc.
Classification: Likely pathogenic for Congenital disorder of glycosylation type 1c. Last evaluated: 2025-10-14. Review status: criteria provided, single submitter. Criteria: Natera Variant Classification Schema (03/2026). Collection method: clinical testing. Allele origin: germline.
Comment: The c.257+2dupT variant in ALG6 is a canonical splice donor site variant predicted to affect pre-mRNA splicing, which may result in an abnormal transcript and altered protein product. This variant is rare in the general population with a frequency below the threshold expected for the associated phenotype(s). This variant has been observed in one or more individuals affected with the associated recessive disease, as either homozygous or compound heterozygous with a second variant (PMID: 12855228). Functional studies show that this variant may disrupt protein function (PMID: 12855228). Computational prediction algorithms indicate this variant is likely to affect gene or protein function. Given the available evidence, this variant is classified as Likely Pathogenic.

Labcorp Genetics (formerly Invitae), Labcorp
Classification: Pathogenic for ALG6-congenital disorder of glycosylation 1C. Last evaluated: 2025-05-14. Review status: criteria provided, single submitter. Criteria: Invitae Variant Classification Sherloc (09022015). Collection method: clinical testing. Allele origin: germline.
Comment: This sequence change falls in intron 4 of the ALG6 gene. It does not directly change the encoded amino acid sequence of the ALG6 protein. RNA analysis indicates that this variant induces altered splicing and likely results in a shortened protein product. This variant is present in population databases (rs745426479, gnomAD 0.01%). This variant has been observed in individual(s) with ALG6-related conditions (PMID: 12855228). In at least one individual the data is consistent with being in trans (on the opposite chromosome) from a pathogenic variant. This variant is also known as IVS3 + 2_3T. ClinVar contains an entry for this variant (Variation ID: 550168). Variants that disrupt the consensus splice site are a relatively common cause of aberrant splicing (PMID: 17576681, 9536098). Studies have shown that this variant results in skipping of exon 4, also known as exon 3, but is expected to preserve the integrity of the reading-frame (PMID: 12855228). For these reasons, this variant has been classified as Pathogenic.

Revvity Omics, Revvity
Classification: Pathogenic for ALG6-congenital disorder of glycosylation 1C. Last evaluated: 2024-09-09. Review status: criteria provided, single submitter. Criteria: ACMG Guidelines, 2015. Collection method: clinical testing. Allele origin: germline.

Women's Health and Genetics/Laboratory Corporation of America, LabCorp
Classification: Likely pathogenic for ALG6-congenital disorder of glycosylation 1C. Last evaluated: 2021-09-21. Review status: criteria provided, single submitter. Criteria: LabCorp Variant Classification Summary - May 2015. Collection method: clinical testing. Allele origin: germline.
Comment: Variant summary: ALG6 c.257+2dupT alters a conserved nucleotide located close to a canonical splice site and therefore could affect mRNA splicing, leading to a significantly altered protein sequence. Several computational tools predict a significant impact on normal splicing: Four predict the variant abolishes the canonical 5' splicing donor site. At least one publication reports experimental evidence that this variant affects mRNA splicing resulting in skipping of exon 4 (reported as skipping of exon 3 under a legacy naming convention) (Newell_2003). The variant allele was found at a frequency of 1.6e-05 in 250878 control chromosomes. c.257+2dupT has been reported in the literature as IVS3+ 2_3insT in at-least one individual affected with Congenital Disorder Of Glycosylation Type 1C (example, Newell_2003). Two clinical diagnostic laboratories have submitted clinical-significance assessments for this variant to ClinVar after 2014 without evidence for independent evaluation. All laboratories classified the variant as pathogenic/likely pathogenic. Based on the evidence outlined above, the variant was classified as likely pathogenic.

Counsyl
Classification: Likely pathogenic for ALG6-congenital disorder of glycosylation 1C. Last evaluated: 2017-01-09. Review status: no assertion criteria provided. Collection method: clinical testing. Allele origin: unknown. Not counted in ClinVar's aggregate classification.

Literature cited by the submitters: PubMed 12855228 (cited by 4 submitters); PubMed 17576681 (cited by Labcorp Genetics (formerly Invitae), Labcorp); PubMed 9536098 (cited by Labcorp Genetics (formerly Invitae), Labcorp).

NM_013339.4(ALG6):c.257+2dup

Gene: ALG6 (ALG6 alpha-1,3-glucosyltransferase; plus strand). Cytogenetic location: 1p31.3.
Variant type: Duplication.
Coding change: c.257+2dup on transcript NM_013339.4 (MANE Select); the canonical splice donor site of the intron after coding-DNA position 257, one base duplicated (T; older notation c.257+2dupT).
Molecular consequence: splice donor variant.
Genome position (GRCh38, 1-based): chr1:63,402,345, T duplicated. VCF-style (leftmost placement, unchanged base first): chr1-63402344-G-GT. GRCh37 (hg19) VCF-style: chr1-63868015-G-GT.
Other names: c.257+2dup (LRG_1260t1); c.257+2dupT (NM_013339.3).
Identifiers: ClinVar variation 550168 (VCV000550168.14), dbSNP rs745426479, ClinGen allele CA888108.
Genomic context (GRCh38, chr1:63,402,344, plus strand): 5'-GTATTGGGGATTGGATTACCCACCTCTTACAGCTTATCATAGTCTCCTATGTGCATATGT[G>GT]TAAGTTTTTCTTTCTTAATGTAACTCTAAATTTTTATGCCCTTGGCAGATTTAGTAAGAA-3'